The following is an entry in ClinVar:

ClinVar aggregate classification (germline): Uncertain significance (1 of 4 stars; one submission).

Conditions:
Cataract 1 multiple types. Also called: CATARACT, DUFFY-LINKED; CATARACT 1, POSTERIOR SUBCAPSULAR, WITH MICROCORNEA; CATARACT 1, STELLATE NUCLEAR, WITH MICROCORNEA; CATARACT 1, MULTIPLE TYPES, WITH OR WITHOUT MICROCORNEA; CATARACT 1, NUCLEAR PROGRESSIVE; CATARACT 1 WITH MICROCORNEA. Identifiers: Orphanet 1377, MedGen C1861828, MONDO:0007285, OMIM 116200.

Submission:

Dept. Genetics and Cancer, Menzies Institute for Medical Research, University of Tasmania
Classification: Uncertain significance for Cataract 1 multiple types. Last evaluated: 2023-01-21. Review status: criteria provided, single submitter. Criteria: ACMG Guidelines, 2015. Collection method: curation. Allele origin: germline. Affected: yes.
Comment: Variant identified and curated during a GJA8 specific review of the literature in relation to pediatric or congenital cataract. ACMG-AMP criteria applied: PM2(Supporting), PP3. Original variant report: PMID:19182255. Gene review and curation guidelines are outlined in: DOI 10.1080/17469899.2023.2160320

Literature cited by the submitters: PubMed 19182255.

NM_005267.5(GJA8):c.776C>A (p.Ser259Tyr)

Gene: GJA8 (gap junction protein alpha 8; plus strand). Cytogenetic location: 1q21.2.
Variant type: single nucleotide variant.
Coding change: c.776C>A on transcript NM_005267.5 (MANE Select); coding-DNA position 776, C replaced by A.
Protein change: p.Ser259Tyr; replaces serine 259 with tyrosine.
Molecular consequence: missense variant.
Genome position (GRCh38, 1-based): chr1:147,908,731, C>A. VCF-style: chr1-147908731-C-A. GRCh37 (hg19) VCF-style: chr1-147380858-C-A.
Other names: short protein forms S259Y.
Identifiers: ClinVar variation 3253672 (VCV003253672.1), dbSNP rs2524893052.